The following is an entry in ClinVar:

ClinVar aggregate classification (germline): Pathogenic (1 of 4 stars; one submission).

Conditions:
PMM2-congenital disorder of glycosylation. Also called: CDG Ia; Congenital disorder of glycosylation, type Ia; JAEKEN SYNDROME; PHOSPHOMANNOMUTASE 2 DEFICIENCY; CARBOHYDRATE-DEFICIENT GLYCOPROTEIN SYNDROME, TYPE Ia; PMM2-CDG. Identifiers: Orphanet 79318, MedGen C0349653, MONDO:0008907, OMIM 212065.

Submission:

Women's Health and Genetics/Laboratory Corporation of America, LabCorp
Classification: Pathogenic for PMM2-congenital disorder of glycosylation. Last evaluated: 2025-01-27. Review status: criteria provided, single submitter. Criteria: LabCorp Variant Classification Summary - May 2015. Collection method: clinical testing. Allele origin: germline.
Comment: Variant summary: The variant involves the deletion of exons 3-7 in the PMM2 gene. A presumed nomenclature of c.(178+1_179-1)_(639+1_640-1)del has been designated for the purposes of this classification. The variant was absent in 21122 control chromosomes. c.(178+1_179-1)_(639+1_640-1)del has been observed in at least one individual affected with congenital disorder of glycosylation (Internal data). To our knowledge, no experimental evidence demonstrating an impact on protein function has been reported. ClinVar contains an entry for this variant (Variation ID: 830598). Based on the evidence outlined above, the variant was classified as pathogenic.

NC_000016.9:g.(8895768_8898623)_(8906964_8941580)del

Gene: PMM2 (phosphomannomutase 2; plus strand). Cytogenetic location: 16p13.2.
Variant type: Deletion.
Identifiers: ClinVar variation 3769387 (VCV003769387.2).